The following is an entry in ClinVar:

ClinVar aggregate classification (germline): Uncertain significance (1 of 4 stars; one submission).

Conditions:
Retinitis pigmentosa 59 (RP59). Identifiers: Orphanet 791, MedGen C3151227, MONDO:0013468, OMIM 613861.

gnomAD v4.1: 1 of 1,613,916 alleles (0.000062%); no homozygotes.

Submission:

Labcorp Genetics (formerly Invitae), Labcorp
Classification: Uncertain significance for Retinitis pigmentosa 59. Last evaluated: 2022-04-21. Review status: criteria provided, single submitter. Criteria: Invitae Variant Classification Sherloc (09022015). Collection method: clinical testing. Allele origin: germline.
Comment: In summary, the available evidence is currently insufficient to determine the role of this variant in disease. Therefore, it has been classified as a Variant of Uncertain Significance. Algorithms developed to predict the effect of missense changes on protein structure and function are either unavailable or do not agree on the potential impact of this missense change (SIFT: "Deleterious"; PolyPhen-2: "Benign"; Align-GVGD: "Class C25"). This variant has not been reported in the literature in individuals affected with DHDDS-related conditions. This variant is not present in population databases (gnomAD no frequency). This sequence change replaces isoleucine, which is neutral and non-polar, with threonine, which is neutral and polar, at codon 29 of the DHDDS protein (p.Ile29Thr).

NM_205861.3(DHDDS):c.86T>C (p.Ile29Thr)

Gene: DHDDS (dehydrodolichyl diphosphate synthase subunit; plus strand). Cytogenetic location: 1p36.11.
Variant type: single nucleotide variant.
Coding change: c.86T>C on transcript NM_205861.3 (MANE Select); coding-DNA position 86, T replaced by C.
Protein change: p.Ile29Thr; replaces isoleucine 29 with threonine.
Molecular consequence: missense variant. On other transcripts: 5 prime UTR variant (1).
Genome position (GRCh38, 1-based): chr1:26,438,190, T>C. VCF-style: chr1-26438190-T-C. GRCh37 (hg19) VCF-style: chr1-26764681-T-C.
Other names: c.86T>C, p.Ile29Thr (NM_001243564.2, NM_001243565.2, NM_024887.4); c.-217T>C (NM_001319959.2); short protein forms I29T.
Identifiers: ClinVar variation 1402214 (VCV001402214.6), dbSNP rs2124374344, ClinGen allele CA339138536.